The following is an entry in ClinVar:

ClinVar aggregate classification (germline): Uncertain significance (1 of 4 stars; one submission).

Conditions:
Familial thoracic aortic aneurysm and aortic dissection (TAAD). Also called: Thoracic aortic aneurysms and dissections. Identifiers: Orphanet 91387, MedGen C4707243, MONDO:0019625.
Hereditary cancer-predisposing syndrome. Also called: Neoplastic Syndromes, Hereditary; Tumor predisposition; Hereditary Cancer Syndrome; Hereditary neoplastic syndrome. Identifiers: Orphanet 140162, MedGen C0027672, MeSH D009386, MONDO:0015356.

Submission:

Ambry Genetics
Classification: Uncertain significance for Hereditary cancer-predisposing syndrome; Familial thoracic aortic aneurysm and aortic dissection. Last evaluated: 2022-07-30. Review status: criteria provided, single submitter. Criteria: Ambry Variant Classification Scheme 2023. Collection method: clinical testing. Allele origin: germline.
Comment: The p.A212G variant (also known as c.635C>G), located in coding exon 4 of the SMAD4 gene, results from a C to G substitution at nucleotide position 635. The alanine at codon 212 is replaced by glycine, an amino acid with similar properties. This amino acid position is conserved. In addition, this alteration is predicted to be tolerated by in silico analysis. Since supporting evidence is limited at this time, the clinical significance of this alteration remains unclear.

NM_005359.6(SMAD4):c.635C>G (p.Ala212Gly)

Gene: SMAD4 (SMAD family member 4; plus strand). Cytogenetic location: 18q21.2.
Variant type: single nucleotide variant.
Coding change: c.635C>G on transcript NM_005359.6 (MANE Select); coding-DNA position 635, C replaced by G.
Protein change: p.Ala212Gly; replaces alanine 212 with glycine.
Molecular consequence: missense variant.
Genome position (GRCh38, 1-based): chr18:51,054,961, C>G. VCF-style: chr18-51054961-C-G. GRCh37 (hg19) VCF-style: chr18-48581331-C-G.
Other names: c.635C>G, p.Ala212Gly (NM_001407041.1, NM_001407042.1, NM_001407043.1); short protein forms A212G.
Identifiers: ClinVar variation 1753041 (VCV001753041.2), dbSNP rs1909801989, ClinGen allele CA402461242.